The following is an entry in ClinVar:

ClinVar aggregate classification (germline): Uncertain significance (1 of 4 stars; one submission).

Conditions:
Neurodevelopmental disorder with impaired language, behavioral abnormalities, and dysmorphic facies (NEDLBF). Identifiers: MedGen C5882686, MONDO:0957588, OMIM 620494.

Submission:

Victorian Clinical Genetics Services, Murdoch Childrens Research Institute
Classification: Uncertain significance for Neurodevelopmental disorder with impaired language, behavioral abnormalities, and dysmorphic facies. Last evaluated: 2024-12-17. Review status: criteria provided, single submitter. Criteria: ACMG Guidelines, 2015. Collection method: clinical testing. Allele origin: germline.
Comment: This variant is classified as VUS-3B. Evidence in support of pathogenic classification: Variant is predicted to result in a loss of the canonical translation initiation codon (ATG); Variant is absent from gnomAD (v2, v3 and v4). Additional information: This variant is heterozygous; This gene is associated with autosomal dominant disease; An alternative nucleotide change at the same initiation codon, is observed in gnomAD (v4: 1 heterozygote(s), 0 homozygote(s)); This variant has no previous evidence of pathogenicity; No published segregation evidence has been identified for this variant; No published functional evidence has been identified for this variant; No comparable start loss variants have previous evidence for pathogenicity; Loss of function is a known mechanism of disease in this gene and is associated with neurodevelopmental disorder with impaired language, behavioral abnormalities, and dysmorphic facies (MIM#620494); Variants in this gene are known to have variable expressivity (PMID: 35977029); Inheritance information for this variant is not currently available in this individual.

Literature cited by the submitters: PubMed 35977029.

NM_014847.4(UBAP2L):c.1A>T (p.Met1Leu)

Gene: UBAP2L (ubiquitin associated protein 2 like; plus strand). Cytogenetic location: 1q21.3.
Variant type: single nucleotide variant.
Coding change: c.1A>T on transcript NM_014847.4 (MANE Select); coding-DNA position 1, A replaced by T.
Protein change: p.Met1Leu; changes the start codon (methionine 1).
Molecular consequence: missense variant, initiator codon variant.
Genome position (GRCh38, 1-based): chr1:154,225,124, A>T. VCF-style: chr1-154225124-A-T. GRCh37 (hg19) VCF-style: chr1-154197600-A-T.
Other names: c.1A>T, p.Met1Leu (NM_001127320.3, NM_001287815.1, NM_001287816.1 and 20 more transcripts); short protein forms M1L.
Identifiers: ClinVar variation 4531984 (VCV004531984.1).